The following is an entry in ClinVar:

ClinVar aggregate classification (germline): Likely benign. Review status: criteria provided, multiple submitters, no conflicts (2 of 4 stars). 2 submissions from 2 submitters: Likely benign (2). Last evaluated 2026-03-01.

Conditions:
SPEN-related disorder. Also called: SPEN-related condition.

gnomAD v4.1: 617 of 1,613,882 alleles (0.038%); highest among the groups gnomAD compares: Non-Finnish European, 0.048%; no homozygotes.

Submissions (2):

CeGaT Center for Human Genetics Tuebingen
Classification: Likely benign. Last evaluated: 2026-03-01. Review status: criteria provided, single submitter. Criteria: CeGaT Center For Human Genetics Tuebingen Variant Classification Criteria Version 2. Collection method: clinical testing. Allele origin: germline. Affected: yes. Observed: 3 variant alleles.
Comment: SPEN: BS2

PreventionGenetics, part of Exact Sciences
Classification: Likely benign for SPEN-related condition. Last evaluated: 2025-02-10. Review status: criteria provided, single submitter. Criteria: ACMG Guidelines, 2015. Collection method: clinical testing. Allele origin: germline.
Comment: This variant is classified as likely benign based on ACMG/AMP sequence variant interpretation guidelines (Richards et al. 2015 PMID: 25741868, with internal and published modifications).

NM_015001.3(SPEN):c.9571G>A (p.Val3191Met)

Gene: SPEN (spen family transcriptional repressor; plus strand). Cytogenetic location: 1p36.13.
Variant type: single nucleotide variant.
Coding change: c.9571G>A on transcript NM_015001.3 (MANE Select); coding-DNA position 9571, G replaced by A.
Protein change: p.Val3191Met; replaces valine 3191 with methionine.
Molecular consequence: missense variant.
Genome position (GRCh38, 1-based): chr1:15,935,811, G>A. VCF-style: chr1-15935811-G-A. GRCh37 (hg19) VCF-style: chr1-16262306-G-A.
Other names: c.9571G>A (NM_015001.2); short protein forms V3191M.
Identifiers: ClinVar variation 3904927 (VCV003904927.11).